The following is an entry in ClinVar:

NM_005732.4(RAD50):c.2299G>A (p.Asp767Asn)

Gene: RAD50 (RAD50 double strand break repair protein; plus strand). Cytogenetic location: 5q31.1.
Variant type: single nucleotide variant.
Coding change: c.2299G>A on transcript NM_005732.4 (MANE Select); coding-DNA position 2299, G replaced by A.
Protein change: p.Asp767Asn; replaces aspartic acid 767 with asparagine.
Molecular consequence: missense variant.
Genome position (GRCh38, 1-based): chr5:132,603,391, G>A. VCF-style: chr5-132603391-G-A. GRCh37 (hg19) VCF-style: chr5-131939083-G-A.
Other names: short protein forms D767N.
Identifiers: ClinVar variation 142173 (VCV000142173.20), dbSNP rs587782282, ClinGen allele CA333238.

ClinVar aggregate classification (germline): Conflicting classifications of pathogenicity. Review status: criteria provided, conflicting classifications (1 of 4 stars). 6 submissions from 6 submitters: Uncertain significance (5); Likely benign (1). Last evaluated 2026-01-08.

Conditions:
Hereditary cancer-predisposing syndrome. Also called: Neoplastic Syndromes, Hereditary; Hereditary Cancer Syndrome; Tumor predisposition; Hereditary neoplastic syndrome. Identifiers: Orphanet 140162, MedGen C0027672, MeSH D009386, MONDO:0015356.
Nijmegen breakage syndrome-like disorder (NBSLD). Also called: MICROCEPHALY AND SPONTANEOUS CHROMOSOME INSTABILITY WITHOUT IMMUNODEFICIENCY; NBS-LIKE DISORDER; RAD50 DEFICIENCY. Identifiers: Orphanet 240760, MedGen C2751318, MONDO:0013118, OMIM 613078.

Allele frequency attached by ClinVar (database versions not stated): gnomAD 0.00003 and 0.00004; ExAC 0.00002; gnomAD exomes 0.00008 and 0.00003; TOPMed 0.00009.
gnomAD v4.1: 123 of 1,613,652 alleles (0.0076%); highest among the groups gnomAD compares: Non-Finnish European, 0.0093%; 1 homozygote.

Submissions (6):

Women's Health and Genetics/Laboratory Corporation of America, LabCorp
Classification: Uncertain significance. Last evaluated: 2026-01-08. Review status: criteria provided, single submitter. Criteria: LabCorp Variant Classification Summary - May 2015. Collection method: clinical testing. Allele origin: germline.
Comment: Variant summary: RAD50 c.2299G>A (p.Asp767Asn) results in a conservative amino acid change in the encoded protein sequence. Algorithms developed to predict the effect of missense changes on protein structure and function are either unavailable or do not agree on the potential impact of this missense change. The variant allele was found at a frequency of 3.2e-05 in 251044 control chromosomes. The available data on variant occurrences in the general population are insufficient to allow any conclusion about variant significance. c.2299G>A has been observed in an individual affected with Melanoma without clear evidence for causality (Wilmott_2019). These report(s) do not provide unequivocal conclusions about association of the variant with Nijmegen Breakage Syndrome-Like Disorder. To our knowledge, no experimental evidence demonstrating an impact on protein function has been reported. The following publication have been ascertained in the context of this evaluation (PMID: 30178487). ClinVar contains an entry for this variant (Variation ID: 142173). Based on the evidence outlined above, the variant was classified as uncertain significance.

Dasa
Classification: Likely benign. Last evaluated: 2026-01-05. Review status: criteria provided, single submitter. Criteria: DASA Assertion Criteria. Collection method: clinical testing. Allele origin: germline.
Comment: NM_005732.4(RAD50):c.2299G>A (p.Asp767Asn) is a missense variant that results in the substitution of aspartic acid with asparagine. The variant context is inconsistent with a known disease-causing mechanism. Computational prediction algorithms are consistent with a benign effect. Therefore, based on the currently available evidence, this variant is classified as likely benign.

Labcorp Genetics (formerly Invitae), Labcorp
Classification: Uncertain significance for Hereditary cancer-predisposing syndrome. Last evaluated: 2025-07-31. Review status: criteria provided, single submitter. Criteria: Invitae Variant Classification Sherloc (09022015). Collection method: clinical testing. Allele origin: germline.
Comment: This sequence change replaces aspartic acid, which is acidic and polar, with asparagine, which is neutral and polar, at codon 767 of the RAD50 protein (p.Asp767Asn). This variant is present in population databases (rs587782282, gnomAD 0.007%). This variant has not been reported in the literature in individuals affected with RAD50-related conditions. ClinVar contains an entry for this variant (Variation ID: 142173). Invitae Evidence Modeling of protein sequence and biophysical properties (such as structural, functional, and spatial information, amino acid conservation, physicochemical variation, residue mobility, and thermodynamic stability) indicates that this missense variant is not expected to disrupt RAD50 protein function with a negative predictive value of 80%. In summary, the available evidence is currently insufficient to determine the role of this variant in disease. Therefore, it has been classified as a Variant of Uncertain Significance.

Quest Diagnostics Nichols Institute San Juan Capistrano
Classification: Uncertain significance. Last evaluated: 2025-01-12. Review status: criteria provided, single submitter. Criteria: Quest Diagnostics criteria. Collection method: clinical testing. Allele origin: unknown.
Comment: The RAD50 c.2299G>A (p.Asp767Asn) variant has been reported in the published literature in individuals affected with melanoma (PMID: 30178487 (2019), 29641532 (2018)) and in a family affected with breast and/or ovarian cancer (PMID: 38874686 (2024)). In a large-scale breast cancer association study, the variant was observed in individuals with breast cancer as well as in reportedly healthy individuals (PMID: 33471991 (2021), see also LOVD). The frequency of this variant in the general population (Genome Aggregation Database) is uninformative in the assessment of its pathogenicity. Analysis of this variant using bioinformatics tools for the prediction of the effect of amino acid changes on protein structure and function yielded predictions that this variant is benign. Based on the available information, we are unable to determine the clinical significance of this variant.

Fulgent Genetics
Classification: Uncertain significance for Nijmegen breakage syndrome-like disorder. Last evaluated: 2024-02-29. Review status: criteria provided, single submitter. Criteria: ACMG Guidelines, 2015. Collection method: clinical testing. Allele origin: germline.

Ambry Genetics
Classification: Uncertain significance for Hereditary cancer-predisposing syndrome. Last evaluated: 2023-03-01. Review status: criteria provided, single submitter. Criteria: Ambry Variant Classification Scheme 2023. Collection method: clinical testing. Allele origin: germline.
Comment: The p.D767N variant (also known as c.2299G>A), located in coding exon 14 of the RAD50 gene, results from a G to A substitution at nucleotide position 2299. The aspartic acid at codon 767 is replaced by asparagine, an amino acid with highly similar properties. In one study, this alteration was identified in 3/1358 non-cancer control individuals and in 0/57 cases, in a study looking at cancer predisposition mutations in patients with cutaneous melanoma and a history of at least two additional non-cutaneous melanoma primary cancers. (Pritchard AL et al. PLoS ONE, 2018 Apr;13:e0194098). In another study, this alteration was detected in the germline of 1/50 adolescent or young adult patients with cutaneous melanoma (Wilmott JS et al. Int. J. Cancer, 2019 03;144:1049-1060). This amino acid position is not well conserved in available vertebrate species. In addition, this alteration is predicted to be tolerated by in silico analysis. Since supporting evidence is limited at this time, the clinical significance of this alteration remains unclear.

Literature cited by the submitters: PubMed 30178487 (cited by 3 submitters); PubMed 36125633 (cited by Quest Diagnostics Nichols Institute San Juan Capistrano); PubMed 38874686 (cited by Quest Diagnostics Nichols Institute San Juan Capistrano); PubMed 29641532 (cited by Quest Diagnostics Nichols Institute San Juan Capistrano and Ambry Genetics); PubMed 33471991 (cited by Quest Diagnostics Nichols Institute San Juan Capistrano).